The following is an entry in ClinVar:

NM_000829.4(GRIA4):c.2335G>C (p.Gly779Arg)

Gene: GRIA4 (glutamate ionotropic receptor AMPA type subunit 4; plus strand). Cytogenetic location: 11q22.3.
Variant type: single nucleotide variant.
Coding change: c.2335G>C on transcript NM_000829.4 (MANE Select); coding-DNA position 2335, G replaced by C.
Protein change: p.Gly779Arg; replaces glycine 779 with arginine.
Molecular consequence: missense variant. On other transcripts: non-coding transcript variant (1), intron variant (1).
Genome position (GRCh38, 1-based): chr11:105,971,954, G>C. VCF-style: chr11-105971954-G-C. GRCh37 (hg19) VCF-style: chr11-105842681-G-C.
Other names: c.2410-2356G>C (NM_001077243.3); short protein forms G779R.
Identifiers: ClinVar variation 3767674 (VCV003767674.1).

ClinVar aggregate classification (germline): Uncertain significance (1 of 4 stars; one submission).

gnomAD v4.1: 3 of 1,612,832 alleles (0.00019%); highest among the groups gnomAD compares: African/African-American, 0.0013%; no homozygotes.

Submission:

GeneDx
Classification: Uncertain significance. Last evaluated: 2024-08-29. Review status: criteria provided, single submitter. Criteria: GeneDx Variant Classification Process June 2021. Collection method: clinical testing. Allele origin: germline. Affected: yes.
Comment: Not observed at significant frequency in large population cohorts (gnomAD); In silico analysis supports that this missense variant has a deleterious effect on protein structure/function; Has not been previously published as pathogenic or benign to our knowledge